The following is an entry in ClinVar:

NM_006009.4(TUBA1A):c.662G>A (p.Arg221His)

Gene: TUBA1A (tubulin alpha 1a; minus strand). Cytogenetic location: 12q13.12.
Variant type: single nucleotide variant.
Coding change: c.662G>A on transcript NM_006009.4 (MANE Select); coding-DNA position 662, G replaced by A.
Protein change: p.Arg221His; replaces arginine 221 with histidine.
Molecular consequence: missense variant.
Genome position (GRCh38, 1-based): chr12:49,185,704, C>T on the plus strand (G>A on the coding strand, the complement: TUBA1A is on the minus strand). VCF-style: chr12-49185704-C-T. GRCh37 (hg19) VCF-style: chr12-49579487-C-T.
Other names: c.662G>A, p.Arg221His (NM_001270399.2); c.557G>A, p.Arg186His (NM_001270400.2); short protein forms R186H, R221H.
Identifiers: ClinVar variation 1914030 (VCV001914030.5), dbSNP rs2498860627, ClinGen allele CA384640953.

ClinVar aggregate classification (germline): Uncertain significance (1 of 4 stars; one submission).

Submission:

Labcorp Genetics (formerly Invitae), Labcorp
Classification: Uncertain significance. Last evaluated: 2023-03-20. Review status: criteria provided, single submitter. Criteria: Invitae Variant Classification Sherloc (09022015). Collection method: clinical testing. Allele origin: germline.
Comment: This sequence change replaces arginine, which is basic and polar, with histidine, which is basic and polar, at codon 221 of the TUBA1A protein (p.Arg221His). This variant is not present in population databases (gnomAD no frequency). This variant has not been reported in the literature in individuals affected with TUBA1A-related conditions. ClinVar contains an entry for this variant (Variation ID: 1914030). Advanced modeling of protein sequence and biophysical properties (such as structural, functional, and spatial information, amino acid conservation, physicochemical variation, residue mobility, and thermodynamic stability) performed at Invitae indicates that this missense variant is not expected to disrupt TUBA1A protein function. In summary, the available evidence is currently insufficient to determine the role of this variant in disease. Therefore, it has been classified as a Variant of Uncertain Significance.